The following is an entry in ClinVar:

NM_017763.6(RNF43):c.1676A>C (p.Lys559Thr)

Gene: RNF43 (ring finger protein 43; minus strand). Cytogenetic location: 17q22.
Variant type: single nucleotide variant.
Coding change: c.1676A>C on transcript NM_017763.6 (MANE Select); coding-DNA position 1676, A replaced by C.
Protein change: p.Lys559Thr; replaces lysine 559 with threonine.
Molecular consequence: missense variant.
Genome position (GRCh38, 1-based): chr17:58,358,100, T>G on the plus strand (A>C on the coding strand, the complement: RNF43 is on the minus strand). VCF-style: chr17-58358100-T-G. GRCh37 (hg19) VCF-style: chr17-56435461-T-G.
Other names: c.1676A>C, p.Lys559Thr (NM_001305544.3); c.1295A>C, p.Lys432Thr (NM_001305545.2); short protein forms K432T, K559T.
Identifiers: ClinVar variation 1023556 (VCV001023556.9), dbSNP rs1972736950, ClinGen allele CA400387901.

ClinVar aggregate classification (germline): Uncertain significance (1 of 4 stars; one submission).

Submission:

Labcorp Genetics (formerly Invitae), Labcorp
Classification: Uncertain significance. Last evaluated: 2020-08-16. Review status: criteria provided, single submitter. Criteria: Invitae Variant Classification Sherloc (09022015). Collection method: clinical testing. Allele origin: germline.
Comment: In summary, the available evidence is currently insufficient to determine the role of this variant in disease. Therefore, it has been classified as a Variant of Uncertain Significance. Algorithms developed to predict the effect of missense changes on protein structure and function (SIFT, PolyPhen-2, Align-GVGD) all suggest that this variant is likely to be tolerated, but these predictions have not been confirmed by published functional studies and their clinical significance is uncertain. This variant has not been reported in the literature in individuals with RNF43-related conditions. This variant is not present in population databases (ExAC no frequency). This sequence change replaces lysine with threonine at codon 559 of the RNF43 protein (p.Lys559Thr). The lysine residue is moderately conserved and there is a moderate physicochemical difference between lysine and threonine.